The following is an entry in ClinVar:

NM_001365536.1(SCN9A):c.3868C>T (p.Arg1290Trp)

Genes: SCN1A-AS1 (SCN1A and SCN9A antisense RNA 1; plus strand), SCN9A (sodium voltage-gated channel alpha subunit 9; minus strand). Cytogenetic location: 2q24.3.
Variant type: single nucleotide variant.
Coding change: c.3868C>T on transcript NM_001365536.1 (MANE Select); coding-DNA position 3868, C replaced by T.
Protein change: p.Arg1290Trp; replaces arginine 1290 with tryptophan.
Molecular consequence: missense variant.
Genome position (GRCh38, 1-based): chr2:166,233,396, G>A on the plus strand (C>T on the coding strand, the complement: SCN9A is on the minus strand). VCF-style: chr2-166233396-G-A. GRCh37 (hg19) VCF-style: chr2-167089906-G-A.
Other names: c.3835C>T, p.Arg1279Trp (NM_002977.4); short protein forms R1279W, R1290W.
Identifiers: ClinVar variation 471117 (VCV000471117.13), dbSNP rs763423536, ClinGen allele CA1943989.

ClinVar aggregate classification (germline): Uncertain significance. Review status: criteria provided, multiple submitters, no conflicts (2 of 4 stars). 2 submissions from 2 submitters: Uncertain significance (2). Last evaluated 2024-12-22.

Conditions:
Neuropathy, hereditary sensory and autonomic, type 2A (HSAN2A). Also called: ACROOSTEOLYSIS, NEUROGENIC; ACROOSTEOLYSIS, GIACCAI TYPE; MORVAN DISEASE; NEUROPATHY, CONGENITAL SENSORY; NEUROPATHY, HEREDITARY SENSORY RADICULAR, AUTOSOMAL RECESSIVE; NEUROPATHY, HEREDITARY SENSORY, TYPE IIA. Identifiers: Orphanet 970, MedGen C2752089, MONDO:0024309, OMIM 201300.
Generalized epilepsy with febrile seizures plus, type 7 (GEFSP7). Also called: GEFS+, TYPE 7. Identifiers: Orphanet 36387, MedGen C2751778, MONDO:0013470, OMIM 613863.

Allele frequency attached by ClinVar (database versions not stated): gnomAD exomes 0.00001; ExAC 0.00002.
gnomAD v4.1: 5 of 1,581,488 alleles (0.00032%); highest among the groups gnomAD compares: Non-Finnish European, 0.00043%; no homozygotes.

Submissions (2):

Labcorp Genetics (formerly Invitae), Labcorp
Classification: Uncertain significance for Neuropathy, hereditary sensory and autonomic, type 2A; Generalized epilepsy with febrile seizures plus, type 7. Last evaluated: 2024-12-22. Review status: criteria provided, single submitter. Criteria: Invitae Variant Classification Sherloc (09022015). Collection method: clinical testing. Allele origin: germline.
Comment: This sequence change replaces arginine, which is basic and polar, with tryptophan, which is neutral and slightly polar, at codon 1279 of the SCN9A protein (p.Arg1279Trp). The frequency data for this variant in the population databases is considered unreliable, as metrics indicate poor data quality at this position in the gnomAD database. This variant has not been reported in the literature in individuals affected with SCN9A-related conditions. ClinVar contains an entry for this variant (Variation ID: 471117). Invitae Evidence Modeling of protein sequence and biophysical properties (such as structural, functional, and spatial information, amino acid conservation, physicochemical variation, residue mobility, and thermodynamic stability) has been performed for this missense variant. However, the output from this modeling did not meet the statistical confidence thresholds required to predict the impact of this variant on SCN9A protein function. In summary, the available evidence is currently insufficient to determine the role of this variant in disease. Therefore, it has been classified as a Variant of Uncertain Significance.

Revvity Omics, Revvity
Classification: Uncertain significance. Last evaluated: 2019-08-23. Review status: criteria provided, single submitter. Criteria: ACMG Guidelines, 2015. Collection method: clinical testing. Allele origin: germline.